The following is an entry in ClinVar:

NM_000222.3(KIT):c.1263_1265dup (p.Val422dup)

Gene: KIT (KIT proto-oncogene, receptor tyrosine kinase; plus strand). Cytogenetic location: 4q12.
Variant type: Duplication.
Coding change: c.1263_1265dup on transcript NM_000222.3 (MANE Select); coding-DNA positions 1263 to 1265, 3 bases duplicated (CGT; older notation c.1263_1265dupCGT).
Protein change: p.Val422dup; duplicates valine 422.
Molecular consequence: inframe insertion.
Genome position (GRCh38, 1-based): chr4:54,723,615-54,723,617, CGT duplicated; duplicating any 3 consecutive bases within chr4:54,723,614-54,723,617 gives the same sequence; the c. name uses the placement nearest the transcript's 3' end. VCF-style (leftmost placement, unchanged base first): chr4-54723613-C-CTCG. GRCh37 (hg19) VCF-style: chr4-55589779-C-CTCG.
Other names: c.1263_1265dup, p.Val422dup (NM_001093772.2, NM_001385285.1, NM_001385286.1); c.1266_1268dup, p.Val423dup (NM_001385284.1, NM_001385288.1, NM_001385290.1 and 1 more transcripts); c.1263_1265dupCGT (NM_000222.2).
Identifiers: ClinVar variation 134630 (VCV000134630.12), dbSNP rs587778434, ClinGen allele CA160377.

ClinVar aggregate classification (germline): Uncertain significance. Review status: criteria provided, multiple submitters, no conflicts (2 of 4 stars). 3 submissions from 3 submitters: Uncertain significance (2). 1 of the submissions does not count toward it. Last evaluated 2025-05-05.

Conditions:
Hereditary cancer-predisposing syndrome. Also called: Tumor predisposition; Hereditary neoplastic syndrome; Hereditary Cancer Syndrome; Neoplastic Syndromes, Hereditary. Identifiers: Orphanet 140162, MedGen C0027672, MeSH D009386, MONDO:0015356.
Gastrointestinal stromal tumor. Also called: Gastrointestinal stromal tumor, somatic; Gastrointestinal stroma tumor. Identifiers: Orphanet 44890, MedGen C0238198, MeSH D046152, MONDO:0011719, OMIM 606764, HP:0100723.

Submissions (3):

Ambry Genetics
Classification: Uncertain significance for Hereditary cancer-predisposing syndrome. Last evaluated: 2025-05-05. Review status: criteria provided, single submitter. Criteria: Ambry Variant Classification Scheme 2023. Collection method: clinical testing. Allele origin: germline.
Comment: The c.1263_1265dupCGT variant (also known as p.V422dup), located in coding exon 8 of the KIT gene, results from an in-frame duplication of CGT at nucleotide positions 1263 to 1265. This results in the duplication of an extra residue between codons 422 and 423. This amino acid position is not well conserved in available vertebrate species. In addition, the in silico prediction for this alteration is inconclusive (Choi Y et al. PLoS ONE. 2012; 7(10):e46688). Based on the available evidence, the clinical significance of this variant remains unclear.

Labcorp Genetics (formerly Invitae), Labcorp
Classification: Uncertain significance for Gastrointestinal stromal tumor. Last evaluated: 2019-04-01. Review status: criteria provided, single submitter. Criteria: Invitae Variant Classification Sherloc (09022015). Collection method: clinical testing. Allele origin: germline.
Comment: In summary, the available evidence is currently insufficient to determine the role of this variant in disease. Therefore, it has been classified as a Variant of Uncertain Significance. Experimental studies and prediction algorithms are not available for this variant, and the functional significance of the affected amino acid(s) is currently unknown. This variant has not been reported in the literature in individuals with KIT-related conditions. This variant is not present in population databases (ExAC no frequency). This variant, c.1263_1265dup, results in the insertion of 1 amino acid(s) to the KIT protein (p.Val422dup), but otherwise preserves the integrity of the reading frame.

ITMI
No classification provided. Condition: AllHighlyPenetrant. Last evaluated: 2013-09-19. Review status: no classification provided. Collection method: reference population. Allele origin: germline. Not counted in ClinVar's aggregate classification.
Comment: Please see associated publication for description of ethnicities

Literature cited by the submitters: PubMed 24728327 (cited by ITMI).